The following is an entry in ClinVar:

NM_033026.6(PCLO):c.13658dup (p.Met4553fs)

Gene: PCLO (piccolo presynaptic cytomatrix protein; minus strand). Cytogenetic location: 7q21.11.
Variant type: Duplication.
Coding change: c.13658dup on transcript NM_033026.6 (MANE Select); coding-DNA position 13658, one base duplicated (T; older notation c.13658dupT).
Protein change: p.Met4553fs; shifts the reading frame from methionine 4553.
Molecular consequence: frameshift variant.
Genome position (GRCh38, 1-based): chr7:82,847,244, A duplicated on the plus strand (T on the coding strand, the reverse complement: PCLO is on the minus strand). VCF-style (leftmost placement, unchanged base first): chr7-82847243-C-CA. GRCh37 (hg19) VCF-style: chr7-82476559-C-CA.
Other names: c.13658dup, p.Met4553fs (NM_014510.3); short protein forms M4553fs.
Identifiers: ClinVar variation 3658397 (VCV003658397.2).

ClinVar aggregate classification (germline): Pathogenic (1 of 4 stars; one submission).

Submission:

Labcorp Genetics (formerly Invitae), Labcorp
Classification: Pathogenic. Last evaluated: 2024-07-01. Review status: criteria provided, single submitter. Criteria: Invitae Variant Classification Sherloc (09022015). Collection method: clinical testing. Allele origin: germline.
Comment: This sequence change creates a premature translational stop signal (p.Met4553Ilefs*14) in the PCLO gene. It is expected to result in an absent or disrupted protein product. Loss-of-function variants in PCLO are known to be pathogenic (PMID: 25832664, 30287594). This variant is not present in population databases (gnomAD no frequency). This variant has not been reported in the literature in individuals affected with PCLO-related conditions. For these reasons, this variant has been classified as Pathogenic.

Literature cited by the submitters: PubMed 25832664; PubMed 30287594.